The following is an entry in ClinVar:

ClinVar aggregate classification (germline): Benign. Review status: criteria provided, multiple submitters, no conflicts (2 of 4 stars). 5 submissions from 5 submitters: Benign (5). Last evaluated 2021-11-07.

Conditions:
Bartsocas-Papas syndrome 1. Also called: MULTIPLE PTERYGIUM SYNDROME, ASLAN TYPE; Bartsocas-Papas syndrome; PTERYGIUM, POPLITEAL, LETHAL TYPE. Identifiers: Orphanet 1234, MedGen C1849718, MONDO:0009901, OMIM 263650.

Allele frequency attached by ClinVar (database versions not stated): ESP Exome Variant Server 0.39882; TOPMed 0.42182; 1000 Genomes Project 0.44010; gnomAD exomes 0.44110 and 0.44715; gnomAD 0.41949 and 0.42217; 1000 Genomes Project 30x 0.43645; ExAC 0.44337.
gnomAD v4.1: 708,289 of 1,613,042 alleles (44%); highest among the groups gnomAD compares: East Asian, 61%; 157,055 homozygotes.

Submissions (5):

Genome-Nilou Lab
Classification: Benign for Bartsocas-Papas syndrome 1. Last evaluated: 2021-11-07. Review status: criteria provided, single submitter. Criteria: ACMG Guidelines, 2015. Collection method: clinical testing. Allele origin: germline. Affected: no.

GeneDx
Classification: Benign. Last evaluated: 2019-10-02. Review status: criteria provided, single submitter. Criteria: GeneDx Variant Classification Process June 2021. Collection method: clinical testing. Allele origin: germline. Affected: yes.

Illumina Laboratory Services, Illumina
Classification: Benign for Bartsocas-Papas syndrome 1. Last evaluated: 2018-01-13. Review status: criteria provided, single submitter. Criteria: ICSL Variant Classification Criteria 13 December 2019. Collection method: clinical testing. Allele origin: germline.
Comment: This variant was observed in the ICSL laboratory as part of a predisposition screen in an ostensibly healthy population. It had not been previously curated by ICSL or reported in the Human Gene Mutation Database (HGMD: prior to June 1st, 2018), and was therefore a candidate for classification through an automated scoring system. Utilizing variant allele frequency, disease prevalence and penetrance estimates, and inheritance mode, an automated score was calculated to assess if this variant is too frequent to cause the disease. Based on the score and internal cut-off values, a variant classified as benign is not then subjected to further curation. The score for this variant resulted in a classification of benign for this disease.

Breakthrough Genomics
Classification: Benign. Review status: criteria provided, single submitter. Criteria: ACMG Guidelines, 2015. Collection method: not provided. Allele origin: germline. Inheritance: Autosomal recessive inheritance. Affected: yes.

PreventionGenetics, part of Exact Sciences
Classification: Benign. Review status: criteria provided, single submitter. Criteria: ACMG Guidelines, 2015. Collection method: clinical testing. Allele origin: germline.

NM_020639.3(RIPK4):c.1476G>A (p.Ala492=)

Gene: RIPK4 (receptor interacting serine/threonine kinase 4; minus strand). Cytogenetic location: 21q22.3.
Variant type: single nucleotide variant.
Coding change: c.1476G>A on transcript NM_020639.3 (MANE Select); coding-DNA position 1476, G replaced by A.
Protein change: p.Ala492=; no amino-acid change (alanine 492 retained).
Molecular consequence: synonymous variant.
Genome position (GRCh38, 1-based): chr21:41,741,717, C>T on the plus strand (G>A on the coding strand, the complement: RIPK4 is on the minus strand). VCF-style: chr21-41741717-C-T. GRCh37 (hg19) VCF-style: chr21-43161877-C-T.
Identifiers: ClinVar variation 261348 (VCV000261348.10), dbSNP rs3746893, ClinGen allele CA10035293.